The following is an entry in ClinVar:

NM_007294.4(BRCA1):c.5555C>A (p.Thr1852Asn)

Gene: BRCA1 (BRCA1 DNA repair associated; minus strand). Cytogenetic location: 17q21.31.
Variant type: single nucleotide variant.
Coding change: c.5555C>A on transcript NM_007294.4 (MANE Select); coding-DNA position 5555, C replaced by A.
Protein change: p.Thr1852Asn; replaces threonine 1852 with asparagine.
Molecular consequence: missense variant. On other transcripts: 3 prime UTR variant (1), non-coding transcript variant (1).
Genome position (GRCh38, 1-based): chr17:43,045,715, G>T on the plus strand (C>A on the coding strand, the complement: BRCA1 is on the minus strand). VCF-style: chr17-43045715-G-T. GRCh37 (hg19) VCF-style: chr17-41197732-G-T.
Other names: c.2237C>A, p.Thr746Asn (NM_001408408.1, NM_001408406.1, NM_001408407.1); c.2234C>A, p.Thr745Asn (NM_001408409.1); c.2171C>A, p.Thr724Asn (NM_001408410.1); c.2168C>A, p.Thr723Asn (NM_001408411.1); c.2165C>A, p.Thr722Asn (NM_001408412.1, NM_001408413.1, NM_001408414.1 and 2 more transcripts); c.2123C>A, p.Thr708Asn (NM_001408428.1, NM_001408429.1, NM_001408430.1 and 4 more transcripts); c.2120C>A, p.Thr707Asn (NM_001408432.1, NM_001408433.1, NM_001408434.1 and 10 more transcripts); c.2117C>A, p.Thr706Asn (NM_001408447.1, NM_001408448.1, NM_001408450.1 and 2 more transcripts); and 74 more; short protein forms T748N, T1805N, T1852N, T1873N, T1556N, T1683N, T1739N, T1763N.
Identifiers: ClinVar variation 869041 (VCV000869041.3), dbSNP rs730881502, ClinGen allele CA10590211.
Genomic context (GRCh38, chr17:43,045,715, plus strand): 5'-TCTGTACCTGTGGCTGGCTGCAGTCAGTAGTGGCTGTGGGGGATCTGGGGTATCAGGTAG[G>T]TGTCCAGCTCCTGGCACTGGTAGAGTGCTACACTGTCCAACACCCACTCTCGGGTCACCA-3'
Protein context (NP_009225.1, residues 1842-1862): VALYQCQELD[Thr1852Asn]YLIPQIPHSH

Conditions:
Breast-ovarian cancer, familial, susceptibility to, 1 (BROVCA1). Also called: BRCA1 Hereditary Breast and Ovarian Cancer; OVARIAN CANCER, SUSCEPTIBILITY TO. Identifiers: Orphanet 145, MedGen C2676676, MONDO:0011450, OMIM 604370. Disease mechanism: loss of function.

Submission:

Brotman Baty Institute, University of Washington
No classification provided (evidence only). Condition: Breast-ovarian cancer, familial 1. Review status: no classification provided. Collection method: in vitro. Allele origin: not applicable. Functional consequence: functionally_normal.
ClinVar note: "not provided" was previously submitted as the classification for the variant. However, the classification appeared to be based only on an observation of functional data so it was converted to no classification on 2025-07-30.